The following is an entry in ClinVar:

NM_014927.5(CNKSR2):c.1976+3A>T

Gene: CNKSR2 (connector enhancer of kinase suppressor of Ras 2; plus strand). Cytogenetic location: Xp22.12.
Variant type: single nucleotide variant.
Coding change: c.1976+3A>T on transcript NM_014927.5 (MANE Select); 3 bases into the intron after coding-DNA position 1976, A replaced by T.
Molecular consequence: intron variant.
Genome position (GRCh38, 1-based): chrX:21,595,398, A>T. VCF-style: chrX-21595398-A-T. GRCh37 (hg19) VCF-style: chrX-21613516-A-T.
Other names: c.1886+3A>T (NM_001168647.3, NM_001330773.2); c.1829+3A>T (NM_001330770.2, NM_001168649.3); c.1739+3A>T (NM_001330772.2, NM_001330771.2); c.1976+3A>T (NM_001168648.3).
Identifiers: ClinVar variation 3360931 (VCV003360931.1).

ClinVar aggregate classification (germline): Uncertain significance (1 of 4 stars; one submission).

Submission:

GeneDx
Classification: Uncertain significance. Last evaluated: 2023-07-11. Review status: criteria provided, single submitter. Criteria: GeneDx Variant Classification Process June 2021. Collection method: clinical testing. Allele origin: germline. Affected: yes.
Comment: Not observed at significant frequency in large population cohorts (gnomAD); In silico analysis supports a deleterious effect on splicing; Has not been previously published as pathogenic or benign to our knowledge